The following is an entry in ClinVar:

ClinVar aggregate classification (germline): Uncertain significance. Review status: criteria provided, multiple submitters, no conflicts (2 of 4 stars). 2 submissions from 2 submitters: Uncertain significance (2). Last evaluated 2026-02-03.

Conditions:
Hereditary cancer-predisposing syndrome. Also called: Tumor predisposition; Hereditary neoplastic syndrome; Neoplastic Syndromes, Hereditary; Hereditary Cancer Syndrome. Identifiers: Orphanet 140162, MedGen C0027672, MeSH D009386, MONDO:0015356.
Gastrointestinal stromal tumor. Also called: Gastrointestinal stroma tumor; Gastrointestinal stromal tumor, somatic. Identifiers: Orphanet 44890, MedGen C0238198, MeSH D046152, MONDO:0011719, OMIM 606764, HP:0100723.

gnomAD v4.1: 2 of 1,613,422 alleles (0.00012%); no homozygotes.

Submissions (2):

Ambry Genetics
Classification: Uncertain significance for Hereditary cancer-predisposing syndrome. Last evaluated: 2026-02-03. Review status: criteria provided, single submitter. Criteria: Ambry Variant Classification Scheme 2023. Collection method: clinical testing. Allele origin: germline.
Comment: The p.N396S variant (also known as c.1187A>G), located in coding exon 7 of the KIT gene, results from an A to G substitution at nucleotide position 1187. The asparagine at codon 396 is replaced by serine, an amino acid with highly similar properties. This amino acid position is highly conserved in available vertebrate species. In addition, this alteration is predicted to be tolerated by in silico analysis. Based on the available evidence, the clinical significance of this variant remains unclear.

Labcorp Genetics (formerly Invitae), Labcorp
Classification: Uncertain significance for Gastrointestinal stromal tumor. Last evaluated: 2023-06-14. Review status: criteria provided, single submitter. Criteria: Invitae Variant Classification Sherloc (09022015). Collection method: clinical testing. Allele origin: germline.
Comment: This variant is not present in population databases (gnomAD no frequency). This sequence change replaces asparagine, which is neutral and polar, with serine, which is neutral and polar, at codon 396 of the KIT protein (p.Asn396Ser). ClinVar contains an entry for this variant (Variation ID: 458854). This variant has not been reported in the literature in individuals affected with KIT-related conditions. An algorithm developed to predict the effect of missense changes on protein structure and function (PolyPhen-2) suggests that this variant is likely to be disruptive. In summary, the available evidence is currently insufficient to determine the role of this variant in disease. Therefore, it has been classified as a Variant of Uncertain Significance.

NM_000222.3(KIT):c.1187A>G (p.Asn396Ser)

Gene: KIT (KIT proto-oncogene, receptor tyrosine kinase; plus strand). Cytogenetic location: 4q12.
Variant type: single nucleotide variant.
Coding change: c.1187A>G on transcript NM_000222.3 (MANE Select); coding-DNA position 1187, A replaced by G.
Protein change: p.Asn396Ser; replaces asparagine 396 with serine.
Molecular consequence: missense variant.
Genome position (GRCh38, 1-based): chr4:54,709,495, A>G. VCF-style: chr4-54709495-A-G. GRCh37 (hg19) VCF-style: chr4-55575661-A-G.
Other names: c.1187A>G, p.Asn396Ser (NM_001093772.2, NM_001385285.1, NM_001385286.1); c.1190A>G, p.Asn397Ser (NM_001385284.1, NM_001385288.1, NM_001385290.1 and 1 more transcripts); short protein forms N396S, N397S.
Identifiers: ClinVar variation 458854 (VCV000458854.12), dbSNP rs1553889095, ClinGen allele CA356902448.
Genomic context (GRCh38, chr4:54,709,495, plus strand): 5'-AACTTCATCTAACGAGATTAAAAGGCACCGAAGGAGGCACTTACACATTCCTAGTGTCCA[A>G]TTCTGACGTCAATGCTGCCATAGCATTTAATGTTTATGTGAATAGTAAGTAACATGAAGG-3'
Protein context (NP_000213.1, residues 386-406): EGGTYTFLVS[Asn396Ser]SDVNAAIAFN